The following is an entry in ClinVar:

NM_001183.6(ATP6AP1):c.319G>T (p.Gly107Cys)

Gene: ATP6AP1 (ATPase H+ transporting accessory protein 1; plus strand). Cytogenetic location: Xq28.
Variant type: single nucleotide variant.
Coding change: c.319G>T on transcript NM_001183.6 (MANE Select); coding-DNA position 319, G replaced by T.
Protein change: p.Gly107Cys; replaces glycine 107 with cysteine.
Molecular consequence: missense variant.
Genome position (GRCh38, 1-based): chrX:154,431,860, G>T. VCF-style: chrX-154431860-G-T. GRCh37 (hg19) VCF-style: chrX-153660206-G-T.
Other names: short protein forms G107C.
Identifiers: ClinVar variation 2736500 (VCV002736500.3), dbSNP rs782606567, ClinGen allele CA415188962.

ClinVar aggregate classification (germline): Uncertain significance (1 of 4 stars; one submission).

Submission:

Labcorp Genetics (formerly Invitae), Labcorp
Classification: Uncertain significance. Last evaluated: 2025-04-07. Review status: criteria provided, single submitter. Criteria: Invitae Variant Classification Sherloc (09022015). Collection method: clinical testing. Allele origin: germline.
Comment: This sequence change replaces glycine, which is neutral and non-polar, with cysteine, which is neutral and slightly polar, at codon 107 of the ATP6AP1 protein (p.Gly107Cys). This variant is not present in population databases (gnomAD no frequency). This variant has not been reported in the literature in individuals affected with ATP6AP1-related conditions. ClinVar contains an entry for this variant (Variation ID: 2736500). Invitae Evidence Modeling of protein sequence and biophysical properties (such as structural, functional, and spatial information, amino acid conservation, physicochemical variation, residue mobility, and thermodynamic stability) indicates that this missense variant is expected to disrupt ATP6AP1 protein function with a positive predictive value of 80%. In summary, the available evidence is currently insufficient to determine the role of this variant in disease. Therefore, it has been classified as a Variant of Uncertain Significance.